The following is an entry in ClinVar:

ClinVar aggregate classification (germline): Likely benign (1 of 4 stars; one submission).

Allele frequency attached by ClinVar (database versions not stated): TOPMed below 0.00001.

Submission:

GeneDx
Classification: Likely benign. Last evaluated: 2016-06-30. Review status: criteria provided, single submitter. Criteria: GeneDx Variant Classification (06012015). Collection method: clinical testing. Allele origin: germline. Affected: yes.
Comment: This variant is considered likely benign or benign based on one or more of the following criteria: it is a conservative change, it occurs at a poorly conserved position in the protein, it is predicted to be benign by multiple in silico algorithms, and/or has population frequency not consistent with disease.

NM_005670.4(EPM2A):c.66G>A (p.Val22=)

Genes: EPM2A (EPM2A glucan phosphatase, laforin; minus strand), EPM2A-DT (EPM2A divergent transcript; plus strand), LOC129997381 (ATAC-STARR-seq lymphoblastoid silent region 17642; plus strand). Cytogenetic location: 6q24.3.
Variant type: single nucleotide variant.
Coding change: c.66G>A on transcript NM_005670.4 (MANE Select); coding-DNA position 66, G replaced by A.
Protein change: p.Val22=; no amino-acid change (valine 22 retained).
Molecular consequence: synonymous variant. On other transcripts: 5 prime UTR variant (3), intron variant (1).
Genome position (GRCh38, 1-based): chr6:145,735,433, C>T on the plus strand (G>A on the coding strand, the complement: EPM2A is on the minus strand). VCF-style: chr6-145735433-C-T. GRCh37 (hg19) VCF-style: chr6-146056569-C-T.
Other names: c.66G>A, p.Val22= (NM_001018041.2, NM_001360057.2, NM_001368130.1); c.-604G>A (NM_001360071.2); c.-558G>A (NM_001368129.2); c.-302G>A (NM_001368131.1); c.-114+475G>A (NM_001360064.2).
Identifiers: ClinVar variation 387226 (VCV000387226.1), dbSNP rs1057522731, ClinGen allele CA16605032.